The following is an entry in ClinVar:

ClinVar aggregate classification (germline): Pathogenic. Review status: criteria provided, multiple submitters, no conflicts (2 of 4 stars). 3 submissions from 3 submitters: Pathogenic (2). 1 of the submissions does not count toward it. Last evaluated 2025-09-03.

Conditions:
Inborn genetic diseases. Identifiers: MedGen C0950123, MeSH D030342.
Tumor predisposition syndrome 2 (TPDS2). Also called: MBD4-ASSOCIATED NEOPLASIA SYNDROME; MBD4-Related Tumor Predisposition Syndrome; MBD4-associated neoplasia syndrome (MANS). Identifiers: Orphanet 661526, MedGen C5774186, MONDO:0859267, OMIM 619975.

Allele frequency attached by ClinVar (database versions not stated): gnomAD exomes 0.00001.
gnomAD v4.1: 12 of 1,613,960 alleles (0.00074%); highest among the groups gnomAD compares: East Asian, 0.027%; no homozygotes.

Submissions (3):

Labcorp Genetics (formerly Invitae), Labcorp
Classification: Pathogenic. Last evaluated: 2025-09-03. Review status: criteria provided, single submitter. Criteria: Invitae Variant Classification Sherloc (09022015). Collection method: clinical testing. Allele origin: germline.
Comment: This sequence change creates a premature translational stop signal (p.Gln73*) in the MBD4 gene. It is expected to result in an absent or disrupted protein product. Loss-of-function variants in MBD4 are known to be pathogenic (PMID: 30049810, 35460607). This variant is present in population databases (rs148098584, gnomAD 0.01%). This premature translational stop signal has been observed in individual(s) with clinical features of MBD4-associated conditions (PMID: 31322271, 34106356). ClinVar contains an entry for this variant (Variation ID: 1700253). For these reasons, this variant has been classified as Pathogenic.

Ambry Genetics
Classification: Pathogenic for Inborn genetic diseases. Last evaluated: 2024-12-18. Review status: criteria provided, single submitter. Criteria: Ambry Variant Classification Scheme 2023. Collection method: clinical testing. Allele origin: germline.
Comment: The p.Q73* pathogenic mutation (also known as c.217C>T), located in coding exon 2 of the MBD4 gene, results from a C to T substitution at nucleotide position 217. This changes the amino acid from a glutamine to a stop codon within coding exon 2. This variant was reported in an individual with features consistent with MBD4-associated neoplasia syndrome (Tanakaya K et al. Oncol Rep. 2019 Sep;42:1133-1140). In addition to the clinical data presented in the literature, this alteration is expected to result in loss of function by premature protein truncation or nonsense-mediated mRNA decay. As such, this alteration is interpreted as a disease-causing mutation.

OMIM
Classification: Pathogenic for TUMOR PREDISPOSITION SYNDROME 2. Last evaluated: 2022-08-08. Review status: no assertion criteria provided. Collection method: literature only. Allele origin: germline. Not counted in ClinVar's aggregate classification.

Literature cited by the submitters: PubMed 30049810 (cited by Labcorp Genetics (formerly Invitae), Labcorp); PubMed 35460607 (cited by Labcorp Genetics (formerly Invitae), Labcorp); PubMed 31322271 (cited by 3 submitters); PubMed 34106356 (cited by Labcorp Genetics (formerly Invitae), Labcorp).

NM_001276270.2(MBD4):c.217C>T (p.Gln73Ter)

Gene: MBD4 (methyl-CpG binding domain 4, DNA glycosylase; minus strand). Cytogenetic location: 3q21.3.
Variant type: single nucleotide variant.
Coding change: c.217C>T on transcript NM_001276270.2 (MANE Select); coding-DNA position 217, C replaced by T.
Protein change: p.Gln73Ter; replaces glutamine 73 with a stop codon.
Molecular consequence: nonsense.
Genome position (GRCh38, 1-based): chr3:129,437,838, G>A on the plus strand (C>T on the coding strand, the complement: MBD4 is on the minus strand). VCF-style: chr3-129437838-G-A. GRCh37 (hg19) VCF-style: chr3-129156681-G-A.
Other names: MBD4, GLN73TER (rs148098584); c.217C>T, p.Gln73Ter (NM_001276271.2, NM_001276272.2, NM_001276273.2 and 1 more transcripts); short protein forms Q73*.
Identifiers: ClinVar variation 1700253 (VCV001700253.5), dbSNP rs148098584, ClinGen allele CA2605581.